The following is an entry in ClinVar:

ClinVar aggregate classification (germline): Benign/Likely benign. Review status: criteria provided, multiple submitters, no conflicts (2 of 4 stars). 5 submissions from 5 submitters: Benign (4); Likely benign (1). Last evaluated 2026-01-19.

Submissions (5):

Labcorp Genetics (formerly Invitae), Labcorp
Classification: Benign. Last evaluated: 2026-01-19. Review status: criteria provided, single submitter. Criteria: Invitae Variant Classification Sherloc (09022015). Collection method: clinical testing. Allele origin: germline.

Blueprint Genetics
Classification: Benign. Last evaluated: 2024-11-26. Review status: criteria provided, single submitter. Criteria: ACMG Guidelines, 2015. Collection method: clinical testing. Allele origin: germline.

GeneDx
Classification: Benign. Last evaluated: 2019-10-05. Review status: criteria provided, single submitter. Criteria: GeneDx Variant Classification Process June 2021. Collection method: clinical testing. Allele origin: germline. Affected: yes.

Center for Pediatric Genomic Medicine, Children's Mercy Hospital and Clinics
Classification: Likely benign. Last evaluated: 2017-06-05. Review status: criteria provided, single submitter. Criteria: ACMG Guidelines, 2015. Collection method: clinical testing. Allele origin: germline.

Laboratory for Molecular Medicine, Mass General Brigham Personalized Medicine
Classification: Benign. Last evaluated: 2016-03-28. Review status: criteria provided, single submitter. Criteria: LMM Criteria. Collection method: clinical testing. Allele origin: germline.
Comment: Variant identified in a genome or exome case(s) and assessed due to predicted null impact of the variant or pathogenic assertions in the literature or databases. Disclaimer: This variant has not undergone full assessment. The following are preliminary notes: Frequency

NM_003193.5(TBCE):c.100+13TG[17]

Gene: TBCE (tubulin folding cofactor E; plus strand). Cytogenetic location: 1q42.3.
Variant type: Microsatellite.
Coding change: c.100+13TG[17] on transcript NM_003193.5 (MANE Select); 17 copies in a row of the 2-base unit TG starting at c.100+13.
Molecular consequence: intron variant.
Genome position: GRCh38 VCF-style: chr1-235380161-TTGTGTGTGTGTGTGTGTG-T. GRCh37 (hg19) VCF-style: chr1-235543476-TTGTGTGTGTGTGTGTGTG-T.
Other names: c.100+13TG[17] (NM_001079515.3, NM_001287801.2); c.-211+13TG[17] (NM_001287802.2).
Identifiers: ClinVar variation 403520 (VCV000403520.14), dbSNP rs10524346, ClinGen allele CA1463903.
Genomic context (GRCh38, chr1:235,380,161, plus strand): 5'-GGAGAACATGCAACAGTACGTTTTGCTGGTGTTGTCCCTCCCGTGGCAGGTAAGCAATTA[TTGTGTGTGTGTGTGTGTG>T]TGTGTGTGTGTGTGTGTGTGTGTGTGTGTGTGTGTATTTTGCAGCTGTTTCTGTGTAAGC-3'